The following is an entry in ClinVar:

ClinVar aggregate classification (germline): Benign. Review status: reviewed by expert panel (3 of 4 stars). 19 submissions from 18 submitters: Benign (1). 18 of the submissions do not count toward it. Last evaluated 2019-07-26.

Conditions:
RUNX1-related disorder. Also called: RUNX1-related condition.
Hereditary cancer-predisposing syndrome. Also called: Hereditary neoplastic syndrome; Hereditary Cancer Syndrome; Neoplastic Syndromes, Hereditary; Tumor predisposition. Identifiers: Orphanet 140162, MedGen C0027672, MeSH D009386, MONDO:0015356.
Inborn genetic diseases. Identifiers: MedGen C0950123, MeSH D030342.
Acute myeloid leukemia (AML). Also called: Acute myeloid leukemia, adult; AML adult; Acute non-lymphocytic leukemia; Acute granulocytic leukemia; Leukemia, acute myeloid, somatic; Leukemia, acute myelogenous, somatic. Identifiers: Orphanet 519, MedGen C0023467, MeSH D015470, MONDO:0018874, OMIM 601626, HP:0004808. Disease mechanism: Constitutively activated FLT3.
Hereditary thrombocytopenia and hematological cancer predisposition syndrome associated with RUNX1. Also called: Familial thrombocytopenia with propensity to acute myelogenous leukemia; PLATELET DISORDER, ASPIRIN-LIKE; Familial Platelet Disorder with Propensity to Acute Myelogenous Leukemia; RUNX1 Familial Platelet Disorder with Associated Myeloid Malignancies. Identifiers: Orphanet 71290, MedGen C1832388, MeSH C563324, MONDO:0100083, OMIM 601399.

Allele frequency attached by ClinVar (database versions not stated): gnomAD 0.01265 and 0.01206; gnomAD exomes 0.01519 and 0.01874; ExAC 0.01629; 1000 Genomes Project 30x 0.01015; 1000 Genomes Project 0.01038; ESP Exome Variant Server 0.01059; TOPMed 0.01216.
gnomAD v4.1: 29,113 of 1,601,534 alleles (1.8%); highest among the groups gnomAD compares: South Asian, 3.1%; 377 homozygotes.

Submissions (19):

ClinGen Myeloid Malignancy Variant Curation Expert Panel
Classification: Benign for Familial platelet disorder with associated myeloid malignancy. Last evaluated: 2019-07-26. Review status: reviewed by expert panel. Criteria: ClinGen MyeloMalig ACMG Specifications v1. Collection method: curation. Allele origin: germline. Inheritance: Autosomal dominant inheritance.
Comment: The NM_001754.4:c.167T>C (p.Leu56Ser) variant has a MAF of 0.03259 (3.259%, 518/15,894 alleles) in the South Asian subpopulation of the ExAC cohort that is >/= 0.0015 (0.15%) (BA1). This variant is detected in homozygous state (56) in gnomAD population database (BP2). Transactivation assays demonstrating normal transactivation (80-115% of wt) and data from secondary assays demonstrate normal DNA binding, CBF-beta binding and sub-cellular localization (BS3; PMID: 23817177). Two patients reported in PMID:29365323 with AML. But PS4 can not apply in combined with BA1. In summary, this variant meets criteria to be classified as benign. ACMG/AMP criteria applied, as specified by the ClinGen Myeloid Malignancy Variant Curation Expert Panel for RUNX1: BA1, BS3, BP2.

CeGaT Center for Human Genetics Tuebingen
Classification: Benign. Last evaluated: 2026-08-01. Review status: criteria provided, single submitter. Criteria: CeGaT Center For Human Genetics Tuebingen Variant Classification Criteria Version 2. Collection method: clinical testing. Allele origin: germline. Affected: yes. Observed: 19 variant alleles. Not counted in ClinVar's aggregate classification.
Comment: RUNX1: PP3, BS1, BS2

Labcorp Genetics (formerly Invitae), Labcorp
Classification: Benign for Hereditary thrombocytopenia and hematological cancer predisposition syndrome associated with RUNX1. Last evaluated: 2026-02-04. Review status: criteria provided, single submitter. Criteria: Invitae Variant Classification Sherloc (09022015). Collection method: clinical testing. Allele origin: germline. Not counted in ClinVar's aggregate classification.

Mayo Clinic Laboratories, Mayo Clinic
Classification: Benign. Last evaluated: 2025-10-17. Review status: criteria provided, single submitter. Criteria: ACMG Guidelines, 2015. Collection method: clinical testing. Allele origin: germline. Observed: 69 variant alleles. Not counted in ClinVar's aggregate classification.
Comment: BA1, BP2, BP4

ARUP Laboratories, Molecular Genetics and Genomics, ARUP Laboratories
Classification: Benign. Last evaluated: 2025-07-21. Review status: criteria provided, single submitter. Criteria: ARUP Molecular Germline Variant Investigation Process 2024. Collection method: clinical testing. Allele origin: germline. Not counted in ClinVar's aggregate classification.

KCCC/NGS Laboratory, Kuwait Cancer Control Center
Classification: Benign for Hereditary thrombocytopenia and hematological cancer predisposition syndrome associated with RUNX1. Last evaluated: 2025-02-01. Review status: criteria provided, single submitter. Criteria: ACMG Guidelines, 2015. Collection method: clinical testing. Allele origin: germline. Affected: no. Not counted in ClinVar's aggregate classification.

Blueprint Genetics
Classification: Likely benign. Last evaluated: 2024-11-27. Review status: criteria provided, single submitter. Criteria: ACMG Guidelines, 2015. Collection method: clinical testing. Allele origin: germline. Not counted in ClinVar's aggregate classification.

Ambry Genetics
Classification: Benign for Inborn genetic diseases. Last evaluated: 2024-11-22. Review status: criteria provided, single submitter. Criteria: Ambry Variant Classification Scheme 2023. Collection method: clinical testing. Allele origin: germline. Not counted in ClinVar's aggregate classification.

KCCC/NGS Laboratory, Kuwait Cancer Control Center
Classification: Benign for Acute myeloid leukemia. Last evaluated: 2023-07-07. Review status: criteria provided, single submitter. Criteria: ACMG Guidelines, 2015. Collection method: clinical testing. Allele origin: germline. Affected: yes. Not counted in ClinVar's aggregate classification.

Sema4
Classification: Benign for Hereditary cancer-predisposing syndrome. Last evaluated: 2020-10-21. Review status: criteria provided, single submitter. Criteria: Sema4 Curation Guidelines. Collection method: curation. Allele origin: germline. Not counted in ClinVar's aggregate classification.

GeneDx
Classification: Benign. Last evaluated: 2019-07-12. Review status: criteria provided, single submitter. Criteria: GeneDx Variant Classification Process June 2021. Collection method: clinical testing. Allele origin: germline. Affected: yes. Not counted in ClinVar's aggregate classification.
Comment: This variant is associated with the following publications: (PMID: 31385734, 31289210, 11921279, 21343560, 27106701, 22753902, 28386644)

Illumina Laboratory Services, Illumina
Classification: Benign for Hereditary thrombocytopenia and hematological cancer predisposition syndrome associated with RUNX1. Last evaluated: 2018-01-13. Review status: criteria provided, single submitter. Criteria: ICSL Variant Classification Criteria 13 December 2019. Collection method: clinical testing. Allele origin: germline. Not counted in ClinVar's aggregate classification.
Comment: This variant was observed in the ICSL laboratory as part of a predisposition screen in an ostensibly healthy population. It had not been previously curated by ICSL or reported in the Human Gene Mutation Database (HGMD: prior to June 1st, 2018), and was therefore a candidate for classification through an automated scoring system. Utilizing variant allele frequency, disease prevalence and penetrance estimates, and inheritance mode, an automated score was calculated to assess if this variant is too frequent to cause the disease. Based on the score and internal cut-off values, a variant classified as benign is not then subjected to further curation. The score for this variant resulted in a classification of benign for this disease.

Genome Diagnostics Laboratory, University Medical Center Utrecht
Classification: Benign for Hereditary thrombocytopenia and hematological cancer predisposition syndrome associated with RUNX1. Last evaluated: 2015-01-08. Review status: criteria provided, single submitter. Criteria: ACGS Guidelines, 2013. Collection method: clinical testing. Allele origin: germline. Affected: yes. Study: VKGL Data-share Consensus. Not counted in ClinVar's aggregate classification.

Breakthrough Genomics
Classification: Benign. Review status: criteria provided, single submitter. Criteria: ACMG Guidelines, 2015. Collection method: not provided. Allele origin: germline. Inheritance: Autosomal dominant inheritance. Affected: yes. Not counted in ClinVar's aggregate classification.

PreventionGenetics, part of Exact Sciences
Classification: Benign for RUNX1-related condition. Last evaluated: 2019-10-22. Review status: no assertion criteria provided. Collection method: clinical testing. Allele origin: germline. Not counted in ClinVar's aggregate classification.
Comment: This variant is classified as benign based on ACMG/AMP sequence variant interpretation guidelines (Richards et al. 2015 PMID: 25741868, with internal and published modifications).

Genome Diagnostics Laboratory, Amsterdam University Medical Center
Classification: Benign for Hereditary thrombocytopenia and hematological cancer predisposition syndrome associated with RUNX1. Last evaluated: 2015-05-08. Review status: no assertion criteria provided. Criteria: ACGS Guidelines, 2013. Collection method: clinical testing. Allele origin: germline. Affected: yes. Study: VKGL Data-share Consensus. Not counted in ClinVar's aggregate classification.

ISTH-SSC Genomics in Thrombosis and Hemostasis, KU Leuven, Center for Molecular and Vascular Biology
Classification: Uncertain significance for Hereditary thrombocytopenia and hematological cancer predisposition syndrome associated with RUNX1. Review status: no assertion criteria provided. Collection method: research. Allele origin: unknown. Affected: yes. Not counted in ClinVar's aggregate classification.
Comment: Submitted to GoldVariant by Neil Morgan from Birmingham Platelet Group, Birmingham, UK

Laboratory of Diagnostic Genome Analysis, Leiden University Medical Center (LUMC)
Classification: Likely benign. Review status: no assertion criteria provided. Collection method: clinical testing. Allele origin: germline. Affected: yes. Study: VKGL Data-share Consensus. Not counted in ClinVar's aggregate classification.

Nadeem Sheikh Lab, University of the Punjab
Classification: Likely pathogenic for Acute Myeloid Leukemia. Review status: no assertion criteria provided. Collection method: clinical testing. Allele origin: somatic. Affected: yes. Not counted in ClinVar's aggregate classification.

Literature cited by the submitters: PubMed 23817177 (cited by ClinGen Myeloid Malignancy Variant Curation Expert Panel).

NM_001754.5(RUNX1):c.167T>C (p.Leu56Ser)

Gene: RUNX1 (RUNX family transcription factor 1; minus strand). Cytogenetic location: 21q22.12.
Variant type: single nucleotide variant.
Coding change: c.167T>C on transcript NM_001754.5 (MANE Select); coding-DNA position 167, T replaced by C.
Protein change: p.Leu56Ser; replaces leucine 56 with serine.
Molecular consequence: missense variant.
Genome position (GRCh38, 1-based): chr21:34,887,027, A>G on the plus strand (T>C on the coding strand, the complement: RUNX1 is on the minus strand). VCF-style: chr21-34887027-A-G. GRCh37 (hg19) VCF-style: chr21-36259324-A-G.
Other names: NM_001754.4(RUNX1):c.167T>C; c.86T>C, p.Leu29Ser (NM_001001890.3, NM_001122607.2); short protein forms L56S, L29S.
Identifiers: ClinVar variation 239045 (VCV000239045.61), dbSNP rs111527738, ClinGen allele CA10014578.
Genomic context (GRCh38, chr21:34,887,027, plus strand): 5'-CGGTCGCCGCTCCTCAGCTTGCCGGCCAGGGCAGCGCCGGCGTCCGGGGCGCCCAGCGGC[A>G]ACGCCTCGCTCATCTTGCCTGGGCTCAGCGCGGTGGAAGGCGGCGTGAAGCGGCGGCTCG-3'
Protein context (NP_001745.2, residues 46-66): ALSPGKMSEA[Leu56Ser]PLGAPDAGAA